The following is an entry in ClinVar:

ClinVar aggregate classification (germline): Uncertain significance (1 of 4 stars; one submission).

Conditions:
21-Hydroxylase-Deficient Congenital Adrenal Hyperplasia. Also called: ADRENAL HYPERPLASIA, CONGENITAL, DUE TO 21-HYDROXYLASE DEFICIENCY; ADRENAL HYPERPLASIA III. Identifiers: MedGen C2936858, OMIM 201910.

Submission:

Juno Genomics, Hangzhou Juno Genomics, Inc
Classification: Uncertain significance for 21-Hydroxylase-Deficient Congenital Adrenal Hyperplasia. Review status: criteria provided, single submitter. Criteria: ACMG Guidelines, 2015. Collection method: clinical testing. Allele origin: germline.
Comment: Absent from controls (or at extremely low frequency if recessive) in Genome Aggregation Database.;Multiple lines of computational evidence support a deleterious effect on the gene or gene product.

NM_000500.9(CYP21A2):c.738+9T>G

Genes: CYP21A2 (cytochrome P450 family 21 subfamily A member 2; plus strand), LOC106780800 (CYP21A2 recombination region; plus strand). Cytogenetic location: 6p21.33.
Variant type: single nucleotide variant.
Coding change: c.738+9T>G on transcript NM_000500.9 (MANE Select); 9 bases into the intron after coding-DNA position 738, T replaced by G.
Molecular consequence: intron variant.
Genome position (GRCh38, 1-based): chr6:32,039,844, T>G. VCF-style: chr6-32039844-T-G. GRCh37 (hg19) VCF-style: chr6-32007621-T-G.
Other names: c.333+9T>G (NM_001368143.2, NM_001368144.2); c.648+9T>G (NM_001128590.4).
Identifiers: ClinVar variation 5007021 (VCV005007021.2).